The following is an entry in ClinVar:

NM_000350.3(ABCA4):c.2020A>G (p.Ile674Val)

Gene: ABCA4 (ATP binding cassette subfamily A member 4; minus strand). Cytogenetic location: 1p22.1.
Variant type: single nucleotide variant.
Coding change: c.2020A>G on transcript NM_000350.3 (MANE Select); coding-DNA position 2020, A replaced by G.
Protein change: p.Ile674Val; replaces isoleucine 674 with valine.
Molecular consequence: missense variant.
Genome position (GRCh38, 1-based): chr1:94,060,677, T>C on the plus strand (A>G on the coding strand, the complement: ABCA4 is on the minus strand). VCF-style: chr1-94060677-T-C. GRCh37 (hg19) VCF-style: chr1-94526233-T-C.
Other names: c.2020A>G, p.Ile674Val (NM_001425324.1); short protein forms I674V.
Identifiers: ClinVar variation 848681 (VCV000848681.9), dbSNP rs759410405, ClinGen allele CA958366.

ClinVar aggregate classification (germline): Uncertain significance (1 of 4 stars; one submission).

Allele frequency attached by ClinVar (database versions not stated): ExAC 0.00001; gnomAD 0.00001; TOPMed 0.00003.
gnomAD v4.1: 1 of 1,614,076 alleles (0.000062%); highest among the groups gnomAD compares: Admixed American, 0.0017%; no homozygotes.

Submission:

Labcorp Genetics (formerly Invitae), Labcorp
Classification: Uncertain significance. Last evaluated: 2023-11-27. Review status: criteria provided, single submitter. Criteria: Invitae Variant Classification Sherloc (09022015). Collection method: clinical testing. Allele origin: germline.
Comment: This sequence change replaces isoleucine, which is neutral and non-polar, with valine, which is neutral and non-polar, at codon 674 of the ABCA4 protein (p.Ile674Val). This variant is not present in population databases (gnomAD no frequency). This variant has not been reported in the literature in individuals affected with ABCA4-related conditions. ClinVar contains an entry for this variant (Variation ID: 848681). Advanced modeling of protein sequence and biophysical properties (such as structural, functional, and spatial information, amino acid conservation, physicochemical variation, residue mobility, and thermodynamic stability) has been performed at Invitae for this missense variant, however the output from this modeling did not meet the statistical confidence thresholds required to predict the impact of this variant on ABCA4 protein function. In summary, the available evidence is currently insufficient to determine the role of this variant in disease. Therefore, it has been classified as a Variant of Uncertain Significance.